The following is an entry in ClinVar:

NM_001267550.2(TTN):c.63617T>C (p.Val21206Ala)

Genes: TTN-AS1 (TTN antisense RNA 1; plus strand), TTN (titin; minus strand). Cytogenetic location: 2q31.2.
Variant type: single nucleotide variant.
Coding change: c.63617T>C on transcript NM_001267550.2 (MANE Select); coding-DNA position 63617, T replaced by C.
Protein change: p.Val21206Ala; replaces valine 21206 with alanine.
Molecular consequence: missense variant.
Genome position (GRCh38, 1-based): chr2:178,587,692, A>G on the plus strand (T>C on the coding strand, the complement: TTN is on the minus strand). VCF-style: chr2-178587692-A-G. GRCh37 (hg19) VCF-style: chr2-179452419-A-G.
Other names: c.58694T>C, p.Val19565Ala (NM_001256850.1); c.36422T>C, p.Val12141Ala (NM_003319.4); c.55913T>C, p.Val18638Ala (NM_133378.4); c.36797T>C, p.Val12266Ala (NM_133432.3); c.36998T>C, p.Val12333Ala (NM_133437.4); short protein forms V18638A, V21206A, V12333A, V12141A, V12266A, V19565A.
Identifiers: ClinVar variation 191925 (VCV000191925.3), dbSNP rs370145029, ClinGen allele CA237885.

ClinVar aggregate classification (germline): Conflicting classifications of pathogenicity. Review status: criteria provided, conflicting classifications (1 of 4 stars). 3 submissions from 3 submitters: Uncertain significance (2); Likely benign (1). Last evaluated 2026-03-27.

Conditions:
TTN-related disorder. Also called: TTN-related condition; TTN-related disease; TTN-related disorders.

Allele frequency attached by ClinVar (database versions not stated): gnomAD exomes 0.00002; TOPMed 0.00002; ExAC 0.00003; gnomAD 0.00005; ESP Exome Variant Server 0.00008; 1000 Genomes Project 0.00020; 1000 Genomes Project 30x 0.00031.
gnomAD v4.1: 14 of 1,612,880 alleles (0.00087%); highest among the groups gnomAD compares: African/African-American, 0.017%; no homozygotes.

Submissions (3):

Molecular Diagnostic Laboratory for Inherited Cardiovascular Disease, Montreal Heart Institute
Classification: Likely benign. Last evaluated: 2026-03-27. Review status: criteria provided, single submitter. Criteria: ACMG Guidelines, 2015. Collection method: clinical testing. Allele origin: germline. Affected: no.

PreventionGenetics, part of Exact Sciences
Classification: Uncertain significance for TTN-related condition. Last evaluated: 2025-05-22. Review status: criteria provided, single submitter. Criteria: ACMG Guidelines, 2015. Collection method: clinical testing. Allele origin: germline.
Comment: The TTN c.63617T>C variant is predicted to result in the amino acid substitution p.Val21206Ala. To our knowledge, this variant has not been reported in the literature. This variant is reported in 0.025% of alleles in individuals of African descent in gnomAD. At this time, the clinical significance of this variant is uncertain due to the absence of conclusive functional and genetic evidence.

Biesecker Lab/Clinical Genomics Section, National Institutes of Health
Classification: Uncertain significance. Last evaluated: 2013-06-24. Review status: criteria provided, single submitter. Criteria: Ng et al. (Circ Cardiovasc Genet. 2013). Collection method: research. Allele origin: unknown. Observed: 1 variant allele. Study: ClinSeq.
Comment: The study set was not selected for affection status in relation to any cancer. Pathogenicity categories were based on literature curation. See Pubmed ID:23861362 for details.

Medical sequencing